The following is an entry in ClinVar:

NM_198428.3(BBS9):c.703-2A>G

Gene: BBS9 (Bardet-Biedl syndrome 9; plus strand). Cytogenetic location: 7p14.3.
Variant type: single nucleotide variant.
Coding change: c.703-2A>G on transcript NM_198428.3 (MANE Select); the canonical splice acceptor site of the intron before coding-DNA position 703, A replaced by G.
Molecular consequence: splice acceptor variant.
Genome position (GRCh38, 1-based): chr7:33,273,010, A>G. VCF-style: chr7-33273010-A-G. GRCh37 (hg19) VCF-style: chr7-33312622-A-G.
Other names: c.703-2A>G (NM_001348036.1, NM_001362679.1, NM_001348041.4 and 5 more transcripts); c.430-2A>G (NM_001348038.3, NM_001348039.3); c.337-2A>G (NM_001348037.3, NM_001348045.3, NM_001348046.3 and 1 more transcripts); c.568-2A>G (NM_001348042.3).
Identifiers: ClinVar variation 2748180 (VCV002748180.3), dbSNP rs2535201698, ClinGen allele CA367253860.

ClinVar aggregate classification (germline): Likely pathogenic (1 of 4 stars; one submission).

Conditions:
Bardet-Biedl syndrome (BBS). Identifiers: Orphanet 110, MedGen C0752166, MONDO:0015229.

Submission:

Labcorp Genetics (formerly Invitae), Labcorp
Classification: Likely pathogenic for Bardet-Biedl syndrome. Last evaluated: 2023-07-29. Review status: criteria provided, single submitter. Criteria: Invitae Variant Classification Sherloc (09022015). Collection method: clinical testing. Allele origin: germline.
Comment: This sequence change affects an acceptor splice site in intron 7 of the BBS9 gene. It is expected to disrupt RNA splicing. Variants that disrupt the donor or acceptor splice site typically lead to a loss of protein function (PMID: 16199547), and loss-of-function variants in BBS9 are known to be pathogenic (PMID: 16380913, 20177705). In summary, the currently available evidence indicates that the variant is pathogenic, but additional data are needed to prove that conclusively. Therefore, this variant has been classified as Likely Pathogenic. Algorithms developed to predict the effect of sequence changes on RNA splicing suggest that this variant may disrupt the consensus splice site. This variant has not been reported in the literature in individuals affected with BBS9-related conditions. This variant is not present in population databases (gnomAD no frequency).

Literature cited by the submitters: PubMed 16199547; PubMed 16380913; PubMed 20177705.